The following is an entry in ClinVar:

NM_017534.6(MYH2):c.4662G>A (p.Glu1554=)

Genes: MYHAS (myosin heavy chain gene cluster antisense RNA; plus strand), MYH2 (myosin heavy chain 2; minus strand), LOC126862500 (BRD4-independent group 4 enhancer GRCh37_chr17:10427829-10429028; plus strand). Cytogenetic location: 17p13.1.
Variant type: single nucleotide variant.
Coding change: c.4662G>A on transcript NM_017534.6 (MANE Select); coding-DNA position 4662, G replaced by A.
Protein change: p.Glu1554=; no amino-acid change (glutamic acid 1554 retained).
Molecular consequence: synonymous variant.
Genome position (GRCh38, 1-based): chr17:10,525,224, C>T on the plus strand (G>A on the coding strand, the complement: MYH2 is on the minus strand). VCF-style: chr17-10525224-C-T. GRCh37 (hg19) VCF-style: chr17-10428541-C-T.
Other names: c.4662G>A, p.Glu1554= (NM_001100112.2).
Identifiers: ClinVar variation 2709049 (VCV002709049.3), dbSNP rs2508414883, ClinGen allele CA497975896.

ClinVar aggregate classification (germline): Uncertain significance (1 of 4 stars; one submission).

Conditions:
Myopathy, proximal, and ophthalmoplegia (CMYO6). Also called: MYOPATHY WITH CONGENITAL JOINT CONTRACTURES, OPHTHALMOPLEGIA, AND RIMMED VACUOLES; INCLUSION BODY MYOPATHY 3, AUTOSOMAL DOMINANT; CONGENITAL MYOPATHY 6 WITH OPHTHALMOPLEGIA. Identifiers: Orphanet 363677, Orphanet 79091, MedGen C1854106, MONDO:0011577, OMIM 605637.

Submission:

Labcorp Genetics (formerly Invitae), Labcorp
Classification: Uncertain significance for Myopathy, proximal, and ophthalmoplegia. Last evaluated: 2024-01-11. Review status: criteria provided, single submitter. Criteria: Invitae Variant Classification Sherloc (09022015). Collection method: clinical testing. Allele origin: germline.
Comment: This sequence change affects codon 1554 of the MYH2 mRNA. It is a 'silent' change, meaning that it does not change the encoded amino acid sequence of the MYH2 protein. This variant also falls at the last nucleotide of exon 33, which is part of the consensus splice site for this exon. This variant is not present in population databases (gnomAD no frequency). This variant has not been reported in the literature in individuals affected with MYH2-related conditions. Variants that disrupt the consensus splice site are a relatively common cause of aberrant splicing (PMID: 17576681, 9536098). Algorithms developed to predict the effect of sequence changes on RNA splicing suggest that this variant may disrupt the consensus splice site. In summary, the available evidence is currently insufficient to determine the role of this variant in disease. Therefore, it has been classified as a Variant of Uncertain Significance.

Literature cited by the submitters: PubMed 17576681; PubMed 9536098.